The following is an entry in ClinVar:

NM_000268.4(NF2):c.810+1G>A

Gene: NF2 (NF2, moesin-ezrin-radixin like (MERLIN) tumor suppressor; plus strand). Cytogenetic location: 22q12.2.
Variant type: single nucleotide variant.
Coding change: c.810+1G>A on transcript NM_000268.4 (MANE Select); the canonical splice donor site of the intron after coding-DNA position 810, G replaced by A.
Molecular consequence: splice donor variant. On other transcripts: intron variant (4).
Genome position (GRCh38, 1-based): chr22:29,661,340, G>A. VCF-style: chr22-29661340-G-A. GRCh37 (hg19) VCF-style: chr22-30057329-G-A.
Other names: c.810+1G>A (NM_016418.5, NM_181832.3, NM_001407060.1 and 2 more transcripts); c.696+1G>A (NM_001407056.1, NM_001407053.1); c.579+1G>A (NM_001407067.1); c.276+1G>A (NM_001407065.1); c.675+3076G>A (NM_001407059.1, NM_001407057.1); c.447+19055G>A (NM_181833.3); c.687+1G>A (NM_001407058.1, NM_181829.3, NM_001407054.1); c.552+3076G>A (NM_001407062.1); and 2 more.
Identifiers: ClinVar variation 201123 (VCV000201123.15), dbSNP rs794728682, ClinGen allele CA021446.

ClinVar aggregate classification (germline): Pathogenic/Likely pathogenic. Review status: criteria provided, multiple submitters, no conflicts (2 of 4 stars). 4 submissions from 4 submitters: Pathogenic (3); Likely pathogenic (1). Last evaluated 2026-08-26.

Conditions:
Hereditary cancer-predisposing syndrome. Also called: Tumor predisposition; Neoplastic Syndromes, Hereditary; Hereditary Cancer Syndrome; Hereditary neoplastic syndrome. Identifiers: Orphanet 140162, MedGen C0027672, MeSH D009386, MONDO:0015356.
Neurofibromatosis, type 2 (SWNV). Also called: SCHWANNOMATOSIS, VESTIBULAR; NF2-Related Schwannomatosis; BILATERAL ACOUSTIC NEUROFIBROMATOSIS. Identifiers: Orphanet 637, MedGen C0027832, MONDO:0007039, OMIM 101000. Disease mechanism: loss of function.

Submissions (4):

Ambry Genetics
Classification: Likely pathogenic for Hereditary cancer-predisposing syndrome. Last evaluated: 2026-08-26. Review status: criteria provided, single submitter. Criteria: Ambry Variant Classification Scheme 2023. Collection method: clinical testing. Allele origin: germline.
Comment: The c.810+1G>A intronic variant results from a G to A substitution one nucleotide after coding exon 8 of the NF2 gene. This variant was reported in individual(s) with features consistent with NF2-related schwannomatosis; in at least one individual, it was determined to be de novo (Linder C et al. Fam Cancer, 2019 Jan;18:97-100; Ambry internal data). This variant was detected in at least one individual with tumor data consistent with NF2-related schwannomatosis (Linder C et al. Fam Cancer, 2019 Jan;18:97-100). Variants that disrupt the canonical splice site are expected to result in aberrant splicing. In silico splice site analysis predicts that this alteration will weaken the native splice donor site. A resulting transcript is predicted to be in-frame and is not expected to trigger nonsense-mediated mRNAdecay; although, direct evidence is unavailable. This variant is considered to be rare based on population cohorts in the Genome Aggregation Database (gnomAD). This nucleotide position is highly conserved in available vertebrate species. Based on the majority of available evidence to date, this variant is likely to be pathogenic.

Labcorp Genetics (formerly Invitae), Labcorp
Classification: Pathogenic for Neurofibromatosis, type 2. Last evaluated: 2022-08-28. Review status: criteria provided, single submitter. Criteria: Invitae Variant Classification Sherloc (09022015). Collection method: clinical testing. Allele origin: germline.
Comment: ClinVar contains an entry for this variant (Variation ID: 201123). Algorithms developed to predict the effect of sequence changes on RNA splicing suggest that this variant may disrupt the consensus splice site. For these reasons, this variant has been classified as Pathogenic. Disruption of this splice site has been observed in individual(s) with neurofibromatosis type 2 (PMID: 16983642, 29761250). In at least one individual the variant was observed to be de novo. This variant is not present in population databases (gnomAD no frequency). This sequence change affects a donor splice site in intron 8 of the NF2 gene. It is expected to disrupt RNA splicing. Variants that disrupt the donor or acceptor splice site typically lead to a loss of protein function (PMID: 16199547), and loss-of-function variants in NF2 are known to be pathogenic (PMID: 9643284, 16983642).

Mendelics
Classification: Pathogenic for Neurofibromatosis, type 2. Last evaluated: 2022-05-04. Review status: criteria provided, single submitter. Criteria: Mendelics Assertion Criteria 2019. Collection method: clinical testing. Allele origin: germline.

GeneDx
Classification: Pathogenic. Last evaluated: 2016-08-15. Review status: criteria provided, single submitter. Criteria: GeneDx Variant Classification (06012015). Collection method: clinical testing. Allele origin: germline. Affected: yes.
Comment: The c.810+1G>A variant in the NF2 gene has not been reported previously as a disease-causing variant nor as a benign polymorphism, to our knowledge. This splice site variant destroys the canonical splice donor site in intron 8. It is predicted to cause abnormal gene splicing, either leading to an abnormal message that is subject to nonsense-mediated mRNA decay, or to an abnormal protein product if the message is used for protein translation. The c.810+1G>A variant was not observed in approximately 6,500 individuals of European and African American ancestry in the NHLBI Exome Sequencing Project, indicating it is not a common benign variant in these populations. Therefore, c.810+1G>A is a disease causing variant.

Literature cited by the submitters: PubMed 26633542 (cited by Ambry Genetics); PubMed 29761250 (cited by Ambry Genetics and Labcorp Genetics (formerly Invitae), Labcorp); PubMed 16983642 (cited by Labcorp Genetics (formerly Invitae), Labcorp); PubMed 16199547 (cited by Labcorp Genetics (formerly Invitae), Labcorp); PubMed 9643284 (cited by Labcorp Genetics (formerly Invitae), Labcorp).